The following is an entry in ClinVar:

ClinVar aggregate classification (germline): Conflicting classifications of pathogenicity. Review status: criteria provided, conflicting classifications (1 of 4 stars). 2 submissions from 2 submitters: Uncertain significance (1); Likely benign (1). Last evaluated 2025-05-23.

Conditions:
Hereditary cancer-predisposing syndrome. Also called: Hereditary Cancer Syndrome; Hereditary neoplastic syndrome; Tumor predisposition; Neoplastic Syndromes, Hereditary. Identifiers: Orphanet 140162, MedGen C0027672, MeSH D009386, MONDO:0015356.
Von Hippel-Lindau syndrome (VHLS). Also called: Von Hippel-Lindau; von Hippel–Lindau syndrome; VHL syndrome. Identifiers: Orphanet 892, MedGen C0019562, MONDO:0008667, OMIM 193300. Disease mechanism: loss of function.
Chuvash polycythemia. Also called: POLYCYTHEMIA, VHL-DEPENDENT. Identifiers: Orphanet 238557, MedGen C1837915, MONDO:0009892, OMIM 263400.

Submissions (2):

Labcorp Genetics (formerly Invitae), Labcorp
Classification: Uncertain significance for Von Hippel-Lindau syndrome; Chuvash polycythemia. Last evaluated: 2025-05-23. Review status: criteria provided, single submitter. Criteria: Invitae Variant Classification Sherloc (09022015). Collection method: clinical testing. Allele origin: germline.
Comment: This sequence change replaces valine, which is neutral and non-polar, with isoleucine, which is neutral and non-polar, at codon 20 of the VHL protein (p.Val20Ile). This variant is not present in population databases (gnomAD no frequency). This variant has not been reported in the literature in individuals affected with VHL-related conditions. ClinVar contains an entry for this variant (Variation ID: 3814964). Invitae Evidence Modeling of protein sequence and biophysical properties (such as structural, functional, and spatial information, amino acid conservation, physicochemical variation, residue mobility, and thermodynamic stability) indicates that this missense variant is not expected to disrupt VHL protein function with a negative predictive value of 95%. In summary, the available evidence is currently insufficient to determine the role of this variant in disease. Therefore, it has been classified as a Variant of Uncertain Significance.

Ambry Genetics
Classification: Likely benign for Hereditary cancer-predisposing syndrome. Last evaluated: 2024-12-11. Review status: criteria provided, single submitter. Criteria: Ambry Variant Classification Scheme 2023. Collection method: clinical testing. Allele origin: germline.

NM_000551.4(VHL):c.58G>A (p.Val20Ile)

Gene: VHL (von Hippel-Lindau tumor suppressor; plus strand). Cytogenetic location: 3p25.3.
Variant type: single nucleotide variant.
Coding change: c.58G>A on transcript NM_000551.4 (MANE Select); coding-DNA position 58, G replaced by A.
Protein change: p.Val20Ile; replaces valine 20 with isoleucine.
Molecular consequence: missense variant. On other transcripts: non-coding transcript variant (1).
Genome position (GRCh38, 1-based): chr3:10,141,905, G>A. VCF-style: chr3-10141905-G-A. GRCh37 (hg19) VCF-style: chr3-10183589-G-A.
Other names: c.58G>A, p.Val20Ile (NM_001354723.2, NM_198156.3); short protein forms V20I.
Identifiers: ClinVar variation 3814964 (VCV003814964.2).